The following is an entry in ClinVar:

NM_004360.5(CDH1):c.687+1G>T

Gene: CDH1 (cadherin 1; plus strand). Cytogenetic location: 16q22.1.
Variant type: single nucleotide variant.
Coding change: c.687+1G>T on transcript NM_004360.5 (MANE Select); the canonical splice donor site of the intron after coding-DNA position 687, G replaced by T.
Molecular consequence: splice donor variant.
Genome position (GRCh38, 1-based): chr16:68,808,849, G>T. VCF-style: chr16-68808849-G-T. GRCh37 (hg19) VCF-style: chr16-68842752-G-T.
Other names: NM_004360.5:c.687+1G>T; NC_000016.9:g.68842752G>T; c.-929+1G>T (NM_001317185.2); c.-1133+1G>T (NM_001317186.2); c.687+1G>T (NM_001317184.2).
Identifiers: ClinVar variation 1341400 (VCV001341400.7), dbSNP rs1567504977, ClinGen allele CA396458161.

ClinVar aggregate classification (germline): Likely pathogenic. Review status: criteria provided, multiple submitters, no conflicts (2 of 4 stars). 2 submissions from 2 submitters: Likely pathogenic (2). Last evaluated 2025-07-10.

Conditions:
Hereditary cancer-predisposing syndrome. Also called: Tumor predisposition; Hereditary Cancer Syndrome; Neoplastic Syndromes, Hereditary; Hereditary neoplastic syndrome. Identifiers: Orphanet 140162, MedGen C0027672, MeSH D009386, MONDO:0015356.
Hereditary diffuse gastric adenocarcinoma (HDGC). Also called: DIFFUSE GASTRIC AND LOBULAR BREAST CANCER SYNDROME. Identifiers: Orphanet 26106, MedGen C1708349, MONDO:0007648, OMIM 137215.

Submissions (4):

Molecular Diagnostics Laboratory, Catalan Institute of Oncology
Classification: Likely pathogenic for Hereditary cancer-predisposing syndrome. Last evaluated: 2025-07-10. Review status: criteria provided, single submitter. Criteria: ClinGen CDH1 ACMG Specifications CDH1 V3.1.0. Collection method: clinical testing. Allele origin: germline.
Comment: PVS1_Strong, PM5_Supporting, PM2_Supporting c.687+1G>T is located in a canonical splicing donor site of the CDH1 gene. The SpliceAI algorithm predicts that the variant impairs the natural splice donor site of intron 5 and creates a novel splice donor 45 bp upstream. This alteration is expected to preserve reading frame but to alter a region critical to protein function (PVS1_Strong). A variant affecting the same splice site with a similar SpliceAI prediction, c.687+1G>A, has been classified as pathogenic by the ClinGen Gastric cancer variant curation expert panel, based on an RNA assay results confirming the splicing prediction and on evidence of co-segregation in families (PM5_Supporting). c.687+1G>T is not present in the population database gnomAD v2.1.1, non-cancer dataset (PM2_Supporting). To our knowledge, functional studies have not been reported for this variant. It is reported in ClinVar (1x likely pathogenic, 1x not classified) but not in LOVD. Based on the currently available evidence, c.687+1G>T is classified as a likely pathogenic variant according to ClinGen CDH1 Guidelines version 3.1.

Myriad Genetics, Inc.
Classification: Likely pathogenic for Hereditary diffuse gastric adenocarcinoma. Last evaluated: 2023-06-09. Review status: criteria provided, single submitter. Criteria: Myriad Autosomal Dominant, Autosomal Recessive and X-Linked Classification Criteria (2023). Collection method: clinical testing. Allele origin: unknown.
Comment: This variant is considered likely pathogenic. This variant occurs within a consensus splice junction and is predicted to result in abnormal mRNA splicing of either an out-of-frame exon or an in-frame exon necessary for protein stability and/or normal function.

Dr. Peter K. Rogan Lab, Western University
No classification provided (evidence only). Condition: Gastric cancer. Review status: no classification provided. Collection method: in vitro. Allele origin: not applicable. Functional consequence: retained intron. Not counted in ClinVar's aggregate classification.

MutSpliceDB: a database of splice sites variants effects on splicing, NIH
No classification provided (evidence only). Review status: no classification provided. Collection method: in vivo. Allele origin: not applicable. Functional consequence: retained intron. Not counted in ClinVar's aggregate classification.